The following is an entry in ClinVar:

NM_024334.3(TMEM43):c.875C>T (p.Ser292Leu)

Gene: TMEM43 (transmembrane protein 43; plus strand). Cytogenetic location: 3p25.1.
Variant type: single nucleotide variant.
Coding change: c.875C>T on transcript NM_024334.3 (MANE Select); coding-DNA position 875, C replaced by T.
Protein change: p.Ser292Leu; replaces serine 292 with leucine.
Molecular consequence: missense variant.
Genome position (GRCh38, 1-based): chr3:14,135,901, C>T. VCF-style: chr3-14135901-C-T. GRCh37 (hg19) VCF-style: chr3-14177401-C-T.
Other names: c.878C>T, p.Ser293Leu (NM_001407274.1); c.872C>T, p.Ser291Leu (NM_001407275.1, NM_001407277.1); c.875C>T, p.Ser292Leu (NM_001407276.1); c.860C>T, p.Ser287Leu (NM_001407278.1); c.800C>T, p.Ser267Leu (NM_001407279.1); c.725C>T, p.Ser242Leu (NM_001407280.1); short protein forms S242L, S267L, S287L, S291L, S292L, S293L.
Identifiers: ClinVar variation 4758365 (VCV004758365.2).

ClinVar aggregate classification (germline): Uncertain significance. Review status: criteria provided, multiple submitters, no conflicts (2 of 4 stars). 2 submissions from 2 submitters: Uncertain significance (2). Last evaluated 2026-09-13.

Conditions:
Cardiomyopathy (CMYO). Also called: Cardiomyopathies. Identifiers: Orphanet 167848, MedGen C0878544, MONDO:0004994, HP:0001638. Inheritance: Various modes of inheritance.
Cardiovascular phenotype. Identifiers: MedGen CN230736.

gnomAD v4.1: 4 of 1,614,004 alleles (0.00025%); highest among the groups gnomAD compares: Non-Finnish European, 0.00025%; no homozygotes.

Submissions (2):

Ambry Genetics
Classification: Uncertain significance for Cardiovascular phenotype. Last evaluated: 2026-09-13. Review status: criteria provided, single submitter. Criteria: Ambry Variant Classification Scheme 2023. Collection method: clinical testing. Allele origin: germline.
Comment: The p.S292L variant (also known as c.875C>T), located in coding exon 10 of the TMEM43 gene, results from a C to T substitution at nucleotide position 875. The serine at codon 292 is replaced by leucine, an amino acid with dissimilar properties. This amino acid position is conserved. In addition, the in silico prediction for this alteration is inconclusive. Based on the available evidence, the clinical significance of this variant remains unclear.

Color Diagnostics, LLC DBA Color Health
Classification: Uncertain significance for Cardiomyopathy. Last evaluated: 2025-05-31. Review status: criteria provided, single submitter. Criteria: ACMG Guidelines, 2015. Collection method: clinical testing. Allele origin: germline.
Comment: This missense variant replaces serine with leucine at codon 292 of the TMEM43 protein. Computational prediction suggests that this variant may not impact protein structure and function. To our knowledge, functional studies have not been reported for this variant. This variant has not been reported in individuals affected with TMEM43-related disorders in the literature. This variant has not been identified in the general population by the Genome Aggregation Database (gnomAD). The available evidence is insufficient to determine the role of this variant in disease conclusively. Therefore, this variant is classified as a Variant of Uncertain Significance.